The following is an entry in ClinVar:

NM_006648.4(WNK2):c.5576G>A (p.Ser1859Asn)

Gene: WNK2 (WNK lysine deficient protein kinase 2; plus strand). Cytogenetic location: 9q22.31.
Variant type: single nucleotide variant.
Coding change: c.5576G>A on transcript NM_006648.4 (MANE Select); coding-DNA position 5576, G replaced by A.
Protein change: p.Ser1859Asn; replaces serine 1859 with asparagine.
Molecular consequence: missense variant.
Genome position (GRCh38, 1-based): chr9:93,293,041, G>A. VCF-style: chr9-93293041-G-A. GRCh37 (hg19) VCF-style: chr9-96055323-G-A.
Other names: c.5687G>A, p.Ser1896Asn (NM_001282394.3); short protein forms S1896N, S1859N.
Identifiers: ClinVar variation 4842114 (VCV004842114.1).

ClinVar aggregate classification (germline): Uncertain significance (1 of 4 stars; one submission).

Submission:

Ambry Genetics
Classification: Uncertain significance. Last evaluated: 2025-12-29. Review status: criteria provided, single submitter. Criteria: Ambry Variant Classification Scheme 2023. Collection method: clinical testing. Allele origin: germline.
Comment: The p.S1859N variant (also known as c.5576G>A), located in coding exon 22 of the WNK2 gene, results from a G to A substitution at nucleotide position 5576. The serine at codon 1859 is replaced by asparagine, an amino acid with highly similar properties. This amino acid position is conserved. In addition, this alteration is predicted to be tolerated by in silico analysis. Based on the available evidence, the clinical significance of this variant remains unclear.